The following is an entry in ClinVar:

NM_001330311.2(DVL1):c.469G>A (p.Ala157Thr)

Gene: DVL1 (dishevelled segment polarity protein 1; minus strand). Cytogenetic location: 1p36.33.
Variant type: single nucleotide variant.
Coding change: c.469G>A on transcript NM_001330311.2 (MANE Select); coding-DNA position 469, G replaced by A.
Protein change: p.Ala157Thr; replaces alanine 157 with threonine.
Molecular consequence: missense variant.
Genome position (GRCh38, 1-based): chr1:1,341,803, C>T on the plus strand (G>A on the coding strand, the complement: DVL1 is on the minus strand). VCF-style: chr1-1341803-C-T. GRCh37 (hg19) VCF-style: chr1-1277183-C-T.
Other names: c.469G>A, p.Ala157Thr (NM_004421.3); short protein forms A157T.
Identifiers: ClinVar variation 1169213 (VCV001169213.13), dbSNP rs61735963, ClinGen allele CA520656.

ClinVar aggregate classification (germline): Benign. Review status: criteria provided, multiple submitters, no conflicts (2 of 4 stars). 4 submissions from 4 submitters: Benign (3). 1 of the submissions does not count toward it. Last evaluated 2026-01-29.

Conditions:
DVL1-related disorder. Also called: DVL1-related condition.

Allele frequency attached by ClinVar (database versions not stated): 1000 Genomes Project 0.06569; ESP Exome Variant Server 0.07010; 1000 Genomes Project 30x 0.07074; TOPMed 0.06946.
gnomAD v4.1: 18,614 of 1,578,862 alleles (1.2%); highest among the groups gnomAD compares: African/African-American, 22%; 1,879 homozygotes.

Submissions (4):

Labcorp Genetics (formerly Invitae), Labcorp
Classification: Benign. Last evaluated: 2026-01-29. Review status: criteria provided, single submitter. Criteria: Invitae Variant Classification Sherloc (09022015). Collection method: clinical testing. Allele origin: germline.

GeneDx
Classification: Benign. Last evaluated: 2019-02-28. Review status: criteria provided, single submitter. Criteria: GeneDx Variant Classification Process June 2021. Collection method: clinical testing. Allele origin: germline. Affected: yes.

Breakthrough Genomics
Classification: Benign. Review status: criteria provided, single submitter. Criteria: ACMG Guidelines, 2015. Collection method: not provided. Allele origin: germline. Inheritance: Autosomal dominant inheritance. Affected: yes.

PreventionGenetics, part of Exact Sciences
Classification: Benign for DVL1-related condition. Last evaluated: 2019-03-08. Review status: no assertion criteria provided. Collection method: clinical testing. Allele origin: germline. Not counted in ClinVar's aggregate classification.
Comment: This variant is classified as benign based on ACMG/AMP sequence variant interpretation guidelines (Richards et al. 2015 PMID: 25741868, with internal and published modifications).